The following is an entry in ClinVar:

NM_002485.5(NBN):c.1058T>C (p.Met353Thr)

Gene: NBN (nibrin; minus strand). Cytogenetic location: 8q21.3.
Variant type: single nucleotide variant.
Coding change: c.1058T>C on transcript NM_002485.5 (MANE Select); coding-DNA position 1058, T replaced by C.
Protein change: p.Met353Thr; replaces methionine 353 with threonine.
Molecular consequence: missense variant.
Genome position (GRCh38, 1-based): chr8:89,958,791, A>G on the plus strand (T>C on the coding strand, the complement: NBN is on the minus strand). VCF-style: chr8-89958791-A-G. GRCh37 (hg19) VCF-style: chr8-90971019-A-G.
Other names: c.812T>C, p.Met271Thr (NM_001024688.3); short protein forms M353T, M271T.
Identifiers: ClinVar variation 480034 (VCV000480034.11), dbSNP rs1028462350, ClinGen allele CA181263712.

ClinVar aggregate classification (germline): Uncertain significance. Review status: criteria provided, multiple submitters, no conflicts (2 of 4 stars). 3 submissions from 3 submitters: Uncertain significance (2). 1 of the submissions does not count toward it. Last evaluated 2022-10-24.

Conditions:
Hereditary cancer-predisposing syndrome. Also called: Hereditary neoplastic syndrome; Neoplastic Syndromes, Hereditary; Tumor predisposition; Hereditary Cancer Syndrome. Identifiers: Orphanet 140162, MedGen C0027672, MeSH D009386, MONDO:0015356.
Microcephaly, normal intelligence and immunodeficiency (NBS). Also called: IMMUNODEFICIENCY, MICROCEPHALY, AND CHROMOSOMAL INSTABILITY; SEEMANOVA SYNDROME II; Nijmegen breakage syndrome; Microcephaly with normal intelligence immunodeficiency and lymphoreticular malignancies; Nonsyndromal microcephaly autosomal recessive with normal intelligence; Seemanova syndrome 2. Identifiers: Orphanet 647, MedGen C0398791, MONDO:0009623, OMIM 251260.

Submissions (3):

Labcorp Genetics (formerly Invitae), Labcorp
Classification: Uncertain significance for Microcephaly, normal intelligence and immunodeficiency. Last evaluated: 2022-10-24. Review status: criteria provided, single submitter. Criteria: Invitae Variant Classification Sherloc (09022015). Collection method: clinical testing. Allele origin: germline.
Comment: Algorithms developed to predict the effect of missense changes on protein structure and function output the following: SIFT: "Deleterious"; PolyPhen-2: "Benign"; Align-GVGD: "Class C0". The threonine amino acid residue is found in multiple mammalian species, which suggests that this missense change does not adversely affect protein function. This sequence change replaces methionine, which is neutral and non-polar, with threonine, which is neutral and polar, at codon 353 of the NBN protein (p.Met353Thr). This variant is not present in population databases (gnomAD no frequency). This variant has not been reported in the literature in individuals affected with NBN-related conditions. ClinVar contains an entry for this variant (Variation ID: 480034). In summary, the available evidence is currently insufficient to determine the role of this variant in disease. Therefore, it has been classified as a Variant of Uncertain Significance.

Ambry Genetics
Classification: Uncertain significance for Hereditary cancer-predisposing syndrome. Last evaluated: 2016-06-09. Review status: criteria provided, single submitter. Criteria: Ambry Variant Classification Scheme 2023. Collection method: clinical testing. Allele origin: germline.
Comment: The p.M353T variant (also known as c.1058T>C), located in coding exon 9 of the NBN gene, results from a T to C substitution at nucleotide position 1058. The methionine at codon 353 is replaced by threonine, an amino acid with similar properties. This amino acid position is not well conserved in available vertebrate species. In addition, this alteration is predicted to be tolerated by in silico analysis. Since supporting evidence is limited at this time, the clinical significance of this alteration remains unclear.

Natera, Inc.
Classification: Uncertain significance for Nijmegen breakage syndrome. Last evaluated: 2020-07-14. Review status: no assertion criteria provided. Collection method: clinical testing. Allele origin: germline. Not counted in ClinVar's aggregate classification.